The following is an entry in ClinVar:

ClinVar aggregate classification (germline): Uncertain significance. Review status: criteria provided, multiple submitters, no conflicts (2 of 4 stars). 2 submissions from 2 submitters: Uncertain significance (2). Last evaluated 2024-10-21.

Allele frequency attached by ClinVar (database versions not stated): TOPMed below 0.00001; ExAC 0.00001; gnomAD exomes 0.00001.
gnomAD v4.1: 9 of 1,614,170 alleles (0.00056%); highest among the groups gnomAD compares: Non-Finnish European, 0.00068%; no homozygotes.

Submissions (2):

Labcorp Genetics (formerly Invitae), Labcorp
Classification: Uncertain significance. Last evaluated: 2024-10-21. Review status: criteria provided, single submitter. Criteria: Invitae Variant Classification Sherloc (09022015). Collection method: clinical testing. Allele origin: germline.
Comment: This sequence change replaces glutamine, which is neutral and polar, with arginine, which is basic and polar, at codon 73 of the PDE6A protein (p.Gln73Arg). This variant is present in population databases (rs751873977, gnomAD 0.0009%). This variant has not been reported in the literature in individuals affected with PDE6A-related conditions. ClinVar contains an entry for this variant (Variation ID: 1940424). Invitae Evidence Modeling of protein sequence and biophysical properties (such as structural, functional, and spatial information, amino acid conservation, physicochemical variation, residue mobility, and thermodynamic stability) indicates that this missense variant is not expected to disrupt PDE6A protein function with a negative predictive value of 95%. In summary, the available evidence is currently insufficient to determine the role of this variant in disease. Therefore, it has been classified as a Variant of Uncertain Significance.

Blueprint Genetics
Classification: Uncertain significance. Last evaluated: 2024-04-15. Review status: criteria provided, single submitter. Criteria: ACMG Guidelines, 2015. Collection method: clinical testing. Allele origin: germline.

NM_000440.3(PDE6A):c.218A>G (p.Gln73Arg)

Gene: PDE6A (phosphodiesterase 6A; minus strand). Cytogenetic location: 5q32.
Variant type: single nucleotide variant.
Coding change: c.218A>G on transcript NM_000440.3 (MANE Select); coding-DNA position 218, A replaced by G.
Protein change: p.Gln73Arg; replaces glutamine 73 with arginine.
Molecular consequence: missense variant.
Genome position (GRCh38, 1-based): chr5:149,944,456, T>C on the plus strand (A>G on the coding strand, the complement: PDE6A is on the minus strand). VCF-style: chr5-149944456-T-C. GRCh37 (hg19) VCF-style: chr5-149324019-T-C.
Other names: c.218A>G, p.Gln73Arg (NM_001410788.1); short protein forms Q73R.
Identifiers: ClinVar variation 1940424 (VCV001940424.6), dbSNP rs751873977, ClinGen allele CA3505112.
Genomic context (GRCh38, chr5:149,944,456, plus strand): 5'-CGGTCTGCCTGCAGGAGGAAGCACAGCTTCTTCATGACATTGAAGATGCATTTCTCTGTC[T>C]GTAAATTCTCCTGAAAGTCCCGCAGGAGATCAAAGATGATTTCGCTCTCCTCCATGCTGC-3'
Protein context (NP_000431.2, residues 63-83): DLLRDFQENL[Gln73Arg]TEKCIFNVMK